The following is an entry in ClinVar:

ClinVar aggregate classification (germline): Uncertain significance (1 of 4 stars; one submission).

Conditions:
Hereditary cancer-predisposing syndrome. Also called: Tumor predisposition; Hereditary Cancer Syndrome; Hereditary neoplastic syndrome; Neoplastic Syndromes, Hereditary. Identifiers: Orphanet 140162, MedGen C0027672, MeSH D009386, MONDO:0015356.

Allele frequency attached by ClinVar (database versions not stated): gnomAD exomes below 0.00001; ExAC 0.00001.
gnomAD v4.1: 1 of 1,613,704 alleles (0.000062%); highest among the groups gnomAD compares: South Asian, 0.0011%; no homozygotes.

Submission:

Ambry Genetics
Classification: Uncertain significance for Hereditary cancer-predisposing syndrome. Last evaluated: 2026-02-04. Review status: criteria provided, single submitter. Criteria: Ambry Variant Classification Scheme 2023. Collection method: clinical testing. Allele origin: germline.
Comment: The p.E564V variant (also known as c.1691A>T), located in coding exon 13 of the SDHA gene, results from an A to T substitution at nucleotide position 1691. The glutamic acid at codon 564 is replaced by valine, an amino acid with dissimilar properties. This amino acid position is highly conserved in available vertebrate species. In addition, this alteration is predicted to be deleterious by in silico analysis. Based on the available evidence, the clinical significance of this variant remains unclear.

NM_004168.4(SDHA):c.1691A>T (p.Glu564Val)

Gene: SDHA (succinate dehydrogenase complex flavoprotein subunit A; plus strand). Cytogenetic location: 5p15.33.
Variant type: single nucleotide variant.
Coding change: c.1691A>T on transcript NM_004168.4 (MANE Select); coding-DNA position 1691, A replaced by T.
Protein change: p.Glu564Val; replaces glutamic acid 564 with valine.
Molecular consequence: missense variant. On other transcripts: intron variant (1).
Genome position (GRCh38, 1-based): chr5:251,365, A>T. VCF-style: chr5-251365-A-T. GRCh37 (hg19) VCF-style: chr5-251480-A-T.
Other names: c.1547A>T, p.Glu516Val (NM_001294332.2); c.1552-3028A>T (NM_001330758.2); short protein forms E516V, E564V.
Identifiers: ClinVar variation 1778141 (VCV001778141.3), dbSNP rs763529675, ClinGen allele CA3173335.